The following is an entry in ClinVar:

ClinVar aggregate classification (germline): Pathogenic (1 of 4 stars; one submission).

Submission:

Labcorp Genetics (formerly Invitae), Labcorp
Classification: Pathogenic. Last evaluated: 2025-11-04. Review status: criteria provided, single submitter. Criteria: Invitae Variant Classification Sherloc (09022015). Collection method: clinical testing. Allele origin: germline.
Comment: This sequence change creates a premature translational stop signal (p.Gly212Alafs*232) in the CRB2 gene. It is expected to result in an absent or disrupted protein product. Loss-of-function variants in CRB2 are known to be pathogenic (PMID: 27942854, 30212996). This variant is not present in population databases (gnomAD no frequency). This variant has not been reported in the literature in individuals affected with CRB2-related conditions. For these reasons, this variant has been classified as Pathogenic.

Literature cited by the submitters: PubMed 27942854; PubMed 30212996.

NM_173689.7(CRB2):c.635del (p.Gly212fs)

Gene: CRB2 (crumbs cell polarity complex component 2; plus strand). Cytogenetic location: 9q33.3.
Variant type: Deletion.
Coding change: c.635del on transcript NM_173689.7 (MANE Select); coding-DNA position 635, one base deleted (G; older notation c.635delG).
Protein change: p.Gly212fs; shifts the reading frame from glycine 212.
Molecular consequence: frameshift variant.
Genome position (GRCh38, 1-based): chr9:123,366,247, G deleted; the last of 3 consecutive G bases (chr9:123,366,245-123,366,247); deleting any one gives the same sequence. VCF-style (leftmost placement, unchanged base first): chr9-123366244-CG-C. GRCh37 (hg19) VCF-style: chr9-126128523-CG-C.
Other names: short protein forms G212fs.
Identifiers: ClinVar variation 4696635 (VCV004696635.1).
Genomic context (GRCh38, chr9:123,366,244, plus strand): 5'-AGGGGCAGGCGCGCGCTCAGCTCCGCCGGTGCGCCCTCCCCAGGTTCCGGTGCGACTGCG[CG>C]GGCACCGGCTACGAGGGCACGCACTGCGAGCGGGAGGTGCTGGAGTGCGCATCGGCGCCC-3'